The following is an entry in ClinVar:

NM_007078.3(LDB3):c.1677-197G>A

Gene: LDB3 (LIM domain binding 3; plus strand). Cytogenetic location: 10q23.2.
Variant type: single nucleotide variant.
Coding change: c.1677-197G>A on transcript NM_007078.3 (MANE Select); 197 bases into the intron before coding-DNA position 1677, G replaced by A.
Molecular consequence: intron variant.
Genome position (GRCh38, 1-based): chr10:86,717,767, G>A. VCF-style: chr10-86717767-G-A. GRCh37 (hg19) VCF-style: chr10-88477524-G-A.
Other names: c.1488-197G>A (NM_001368064.1, NM_001368065.1); c.1692-197G>A (NM_001171610.2); c.1536-197G>A (NM_001368066.1); c.1347-197G>A (NM_001080114.2).
Identifiers: ClinVar variation 671421 (VCV000671421.1), dbSNP rs7090715, ClinGen allele CA211208883.

ClinVar aggregate classification (germline): Benign (1 of 4 stars; one submission).

Allele frequency attached by ClinVar (database versions not stated): gnomAD 0.01551 and 0.01668; 1000 Genomes Project 0.01697; TOPMed 0.01781; 1000 Genomes Project 30x 0.01874.
gnomAD v4.1: 2,340 of 152,318 alleles (1.5%); highest among the groups gnomAD compares: African/African-American, 5.4%; 60 homozygotes.

Submission:

GeneDx
Classification: Benign. Last evaluated: 2018-06-19. Review status: criteria provided, single submitter. Criteria: GeneDx Variant Classification (06012015). Collection method: clinical testing. Allele origin: germline. Affected: yes.
Comment: This variant is considered likely benign or benign based on one or more of the following criteria: it is a conservative change, it occurs at a poorly conserved position in the protein, it is predicted to be benign by multiple in silico algorithms, and/or has population frequency not consistent with disease.